The following is an entry in ClinVar:

NM_001377142.1(PLCB4):c.146C>T (p.Thr49Ile)

Gene: PLCB4 (phospholipase C beta 4; plus strand). Cytogenetic location: 20p12.2.
Variant type: single nucleotide variant.
Coding change: c.146C>T on transcript NM_001377142.1 (MANE Select); coding-DNA position 146, C replaced by T.
Protein change: p.Thr49Ile; replaces threonine 49 with isoleucine.
Molecular consequence: missense variant.
Genome position (GRCh38, 1-based): chr20:9,337,187, C>T. VCF-style: chr20-9337187-C-T. GRCh37 (hg19) VCF-style: chr20-9317834-C-T.
Other names: c.146C>T, p.Thr49Ile (NM_000933.4, NM_001172646.2, NM_001377134.2 and 4 more transcripts); short protein forms T49I.
Identifiers: ClinVar variation 3907942 (VCV003907942.1).

ClinVar aggregate classification (germline): Uncertain significance (1 of 4 stars; one submission).

Submission:

GeneDx
Classification: Uncertain significance. Last evaluated: 2024-12-27. Review status: criteria provided, single submitter. Criteria: GeneDx Variant Classification Process June 2021. Collection method: clinical testing. Allele origin: germline. Affected: yes.
Comment: Not observed at significant frequency in large population cohorts (gnomAD); In silico analysis indicates that this missense variant does not alter protein structure/function; Has not been previously published as pathogenic or benign to our knowledge